The following is an entry in ClinVar:

ClinVar aggregate classification (germline): Uncertain significance (1 of 4 stars; one submission).

Conditions:
Fanconi anemia (FA). Also called: Fanconi's anemia. Identifiers: Orphanet 84, MedGen C0015625, MeSH D005199, MONDO:0019391.

Submission:

Labcorp Genetics (formerly Invitae), Labcorp
Classification: Uncertain significance for Fanconi anemia. Last evaluated: 2025-09-07. Review status: criteria provided, single submitter. Criteria: Invitae Variant Classification Sherloc (09022015). Collection method: clinical testing. Allele origin: germline.
Comment: This sequence change replaces glutamic acid, which is acidic and polar, with glycine, which is neutral and non-polar, at codon 1202 of the FANCA protein (p.Glu1202Gly). Information on the frequency of this variant in the gnomAD database is not available, as this variant may be reported differently in the database. This variant has not been reported in the literature in individuals affected with FANCA-related conditions. ClinVar contains an entry for this variant (Variation ID: 968779). An algorithm developed to predict the effect of missense changes on protein structure and function (PolyPhen-2) suggests that this variant is likely to be tolerated. This variant disrupts the p.Glu1202 amino acid residue in FANCA. Other variant(s) that disrupt this residue have been determined to be pathogenic (PMID: 17924555, 29098742). This suggests that this residue is clinically significant, and that variants that disrupt this residue are likely to be disease-causing. In summary, the available evidence is currently insufficient to determine the role of this variant in disease. Therefore, it has been classified as a Variant of Uncertain Significance.

Literature cited by the submitters: PubMed 17924555; PubMed 29098742.

NM_000135.4(FANCA):c.3605_3606delinsGC (p.Glu1202Gly)

Gene: FANCA (FA complementation group A; minus strand). Cytogenetic location: 16q24.3.
Variant type: Indel.
Coding change: c.3605_3606delinsGC on transcript NM_000135.4 (MANE Select); coding-DNA positions 3605 to 3606, AA replaced by GC.
Protein change: p.Glu1202Gly; replaces glutamic acid 1202 with glycine.
Molecular consequence: missense variant.
Genome position (GRCh38, 1-based): chr16:89,744,979-89,744,980, TT replaced by GC on the plus strand (AA replaced by GC on the coding strand, the reverse complement: FANCA is on the minus strand). VCF-style: chr16-89744979-TT-GC. GRCh37 (hg19) VCF-style: chr16-89811387-TT-GC.
Other names: c.3605_3606delinsGC, p.Glu1202Gly (NM_001286167.3); short protein forms E1202G.
Identifiers: ClinVar variation 968779 (VCV000968779.5), dbSNP rs2062210162, ClinGen allele CA1139664958.